The following is an entry in ClinVar:

NM_001367624.2(ZNF469):c.11690dup (p.Arg3899fs)

Gene: ZNF469 (zinc finger protein 469; plus strand). Cytogenetic location: 16q24.2.
Variant type: Duplication.
Coding change: c.11690dup on transcript NM_001367624.2 (MANE Select); coding-DNA position 11690, one base duplicated (A; older notation c.11690dupA).
Protein change: p.Arg3899fs; shifts the reading frame from arginine 3899.
Molecular consequence: frameshift variant.
Genome position (GRCh38, 1-based): chr16:88,439,160, A duplicated. VCF-style (leftmost placement, unchanged base first): chr16-88439159-C-CA. GRCh37 (hg19) VCF-style: chr16-88505567-C-CA.
Other names: NM_001127464.1:c.11606dupA; short protein forms R3899fs.
Identifiers: ClinVar variation 2197151 (VCV002197151.4), dbSNP rs1269369079, ClinGen allele CA725571455.

ClinVar aggregate classification (germline): Uncertain significance. Review status: criteria provided, multiple submitters, no conflicts (2 of 4 stars). 3 submissions from 3 submitters: Uncertain significance (3). Last evaluated 2025-04-14.

Conditions:
Cardiovascular phenotype. Identifiers: MedGen CN230736.
Brittle cornea syndrome 1 (BCS1). Also called: CORNEAL FRAGILITY, KERATOGLOBUS, BLUE SCLERAE, JOINT HYPEREXTENSIBILITY; EDS6B; FRAGILITAS OCULI WITH JOINT HYPEREXTENSIBILITY; Corneal fragility keratoglobus, blue sclerae AND joint hypermobility; DYSGENESIS MESODERMALIS CORNEAE ET SCLERAE. Identifiers: Orphanet 90354, MedGen C0268344, MONDO:0024543, OMIM 229200.

Allele frequency attached by ClinVar (database versions not stated): gnomAD exomes below 0.00001; TOPMed below 0.00001; gnomAD 0.00002.

Submissions (3):

Ambry Genetics
Classification: Uncertain significance for Cardiovascular phenotype. Last evaluated: 2025-04-14. Review status: criteria provided, single submitter. Criteria: Ambry Variant Classification Scheme 2023. Collection method: clinical testing. Allele origin: germline.
Comment: The c.11606dupA variant, located in coding exon 2 of the ZNF469 gene, results from a duplication of A at nucleotide position 11606, causing a translational frameshift with a predicted alternate stop codon (p.R3871Efs*17). This alteration occurs at the 3' terminus of theZNF469 gene, is not expected to trigger nonsense-mediated mRNAdecay, and impacts the last 1% of the protein. The exact functional effect of this alteration is unknown. Based on the available evidence, the clinical significance of this variant remains unclear.

Fulgent Genetics
Classification: Uncertain significance for Brittle cornea syndrome 1. Last evaluated: 2024-06-20. Review status: criteria provided, single submitter. Criteria: ACMG Guidelines, 2015. Collection method: clinical testing. Allele origin: germline.

Labcorp Genetics (formerly Invitae), Labcorp
Classification: Uncertain significance. Last evaluated: 2022-05-10. Review status: criteria provided, single submitter. Criteria: Invitae Variant Classification Sherloc (09022015). Collection method: clinical testing. Allele origin: germline.
Comment: This sequence change creates a premature translational stop signal (p.Arg3871Glufs*17) in the ZNF469 gene. While this is not anticipated to result in nonsense mediated decay, it is expected to disrupt the last 55 amino acid(s) of the ZNF469 protein. This variant is not present in population databases (gnomAD no frequency). This variant has not been reported in the literature in individuals affected with ZNF469-related conditions. Experimental studies and prediction algorithms are not available or were not evaluated, and the functional significance of this variant is currently unknown. In summary, the available evidence is currently insufficient to determine the role of this variant in disease. Therefore, it has been classified as a Variant of Uncertain Significance.